The following is an entry in ClinVar:

ClinVar aggregate classification (germline): Uncertain significance (1 of 4 stars; one submission).

gnomAD v4.1: 33 of 1,550,306 alleles (0.0021%); highest among the groups gnomAD compares: Non-Finnish European, 0.0026%; no homozygotes.

Submission:

GeneDx
Classification: Uncertain significance. Last evaluated: 2025-07-28. Review status: criteria provided, single submitter. Criteria: GeneDx Variant Classification Process June 2021. Collection method: clinical testing. Allele origin: germline. Affected: yes.
Comment: Not observed at significant frequency in large population cohorts (gnomAD); In silico analysis supports that this missense variant has a deleterious effect on protein structure/function; Has not been previously published as pathogenic or benign to our knowledge

NM_001292063.2(OTOG):c.2055C>A (p.Asp685Glu)

Gene: OTOG (otogelin; plus strand). Cytogenetic location: 11p15.1.
Variant type: single nucleotide variant.
Coding change: c.2055C>A on transcript NM_001292063.2 (MANE Select); coding-DNA position 2055, C replaced by A.
Protein change: p.Asp685Glu; replaces aspartic acid 685 with glutamic acid.
Molecular consequence: missense variant.
Genome position (GRCh38, 1-based): chr11:17,572,179, C>A. VCF-style: chr11-17572179-C-A. GRCh37 (hg19) VCF-style: chr11-17593726-C-A.
Other names: c.2091C>A, p.Asp697Glu (NM_001277269.2); short protein forms D685E, D697E.
Identifiers: ClinVar variation 4689933 (VCV004689933.1).